The following is an entry in ClinVar:

NM_015512.5(DNAH1):c.11671C>T (p.Arg3891Trp)

Gene: DNAH1 (dynein axonemal heavy chain 1; plus strand). Cytogenetic location: 3p21.1.
Variant type: single nucleotide variant.
Coding change: c.11671C>T on transcript NM_015512.5 (MANE Select); coding-DNA position 11671, C replaced by T.
Protein change: p.Arg3891Trp; replaces arginine 3891 with tryptophan.
Molecular consequence: missense variant.
Genome position (GRCh38, 1-based): chr3:52,396,928, C>T. VCF-style: chr3-52396928-C-T. GRCh37 (hg19) VCF-style: chr3-52430944-C-T.
Other names: short protein forms R3891W.
Identifiers: ClinVar variation 1385463 (VCV001385463.6), dbSNP rs774152723, ClinGen allele CA2436250.

ClinVar aggregate classification (germline): Uncertain significance (1 of 4 stars; one submission).

Conditions:
Spermatogenic failure 18. Identifiers: MedGen C4539783, MONDO:0054615, OMIM 617576.
Ciliary dyskinesia, primary, 37 (CILD37). Also called: CILIARY DYSKINESIA, PRIMARY, 37, WITH OR WITHOUT SITUS INVERSUS. Identifiers: MedGen C4539798, MONDO:0033204, OMIM 617577.

Allele frequency attached by ClinVar (database versions not stated): gnomAD 0.00001.
gnomAD v4.1: 15 of 1,613,378 alleles (0.00093%); highest among the groups gnomAD compares: East Asian, 0.0067%; no homozygotes.

Submission:

Labcorp Genetics (formerly Invitae), Labcorp
Classification: Uncertain significance for Ciliary dyskinesia, primary, 37; Spermatogenic failure 18. Last evaluated: 2022-11-01. Review status: criteria provided, single submitter. Criteria: Invitae Variant Classification Sherloc (09022015). Collection method: clinical testing. Allele origin: germline.
Comment: In summary, the available evidence is currently insufficient to determine the role of this variant in disease. Therefore, it has been classified as a Variant of Uncertain Significance. Advanced modeling of protein sequence and biophysical properties (such as structural, functional, and spatial information, amino acid conservation, physicochemical variation, residue mobility, and thermodynamic stability) has been performed at Invitae for this missense variant, however the output from this modeling did not meet the statistical confidence thresholds required to predict the impact of this variant on DNAH1 protein function. ClinVar contains an entry for this variant (Variation ID: 1385463). This variant has not been reported in the literature in individuals affected with DNAH1-related conditions. This variant is present in population databases (rs774152723, gnomAD 0.02%). This sequence change replaces arginine, which is basic and polar, with tryptophan, which is neutral and slightly polar, at codon 3891 of the DNAH1 protein (p.Arg3891Trp).